The following is an entry in ClinVar:

ClinVar aggregate classification (germline): Uncertain significance (1 of 4 stars; one submission).

Allele frequency attached by ClinVar (database versions not stated): ExAC 0.00001; gnomAD exomes 0.00001 and 0.00002; TOPMed 0.00001.
gnomAD v4.1: 19 of 1,613,824 alleles (0.0012%); highest among the groups gnomAD compares: South Asian, 0.0077%; no homozygotes.

Submission:

Labcorp Genetics (formerly Invitae), Labcorp
Classification: Uncertain significance. Last evaluated: 2025-03-30. Review status: criteria provided, single submitter. Criteria: Invitae Variant Classification Sherloc (09022015). Collection method: clinical testing. Allele origin: germline.
Comment: This sequence change replaces valine, which is neutral and non-polar, with isoleucine, which is neutral and non-polar, at codon 488 of the CLTC protein (p.Val488Ile). This variant is present in population databases (rs748661028, gnomAD 0.01%). This variant has not been reported in the literature in individuals affected with CLTC-related conditions. ClinVar contains an entry for this variant (Variation ID: 1428620). Invitae Evidence Modeling of protein sequence and biophysical properties (such as structural, functional, and spatial information, amino acid conservation, physicochemical variation, residue mobility, and thermodynamic stability) indicates that this missense variant is not expected to disrupt CLTC protein function with a negative predictive value of 80%. In summary, the available evidence is currently insufficient to determine the role of this variant in disease. Therefore, it has been classified as a Variant of Uncertain Significance.

NM_004859.4(CLTC):c.1450G>A (p.Val484Ile)

Gene: CLTC (clathrin heavy chain; plus strand). Cytogenetic location: 17q23.1.
Variant type: single nucleotide variant.
Coding change: c.1450G>A on transcript NM_004859.4 (MANE Select); coding-DNA position 1450, G replaced by A.
Protein change: p.Val484Ile; replaces valine 484 with isoleucine.
Molecular consequence: missense variant.
Genome position (GRCh38, 1-based): chr17:59,663,923, G>A. VCF-style: chr17-59663923-G-A. GRCh37 (hg19) VCF-style: chr17-57741284-G-A.
Other names: c.1462G>A, p.Val488Ile (NM_001288653.2); short protein forms V484I, V488I.
Identifiers: ClinVar variation 1428620 (VCV001428620.8), dbSNP rs748661028, ClinGen allele CA8681224.